The following is an entry in ClinVar:

NM_206933.4(USH2A):c.14322C>T (p.Ser4774=)

Gene: USH2A (usherin; minus strand). Cytogenetic location: 1q41.
Variant type: single nucleotide variant.
Coding change: c.14322C>T on transcript NM_206933.4 (MANE Select); coding-DNA position 14322, C replaced by T.
Protein change: p.Ser4774=; no amino-acid change (serine 4774 retained).
Molecular consequence: synonymous variant.
Genome position (GRCh38, 1-based): chr1:215,650,613, G>A on the plus strand (C>T on the coding strand, the complement: USH2A is on the minus strand). VCF-style: chr1-215650613-G-A. GRCh37 (hg19) VCF-style: chr1-215823955-G-A.
Other names: c.14322C>T (NM_206933.1).
Identifiers: ClinVar variation 48435 (VCV000048435.18), dbSNP rs147037435, ClinGen allele CA143346.

ClinVar aggregate classification (germline): Likely benign. Review status: criteria provided, multiple submitters, no conflicts (2 of 4 stars). 6 submissions from 5 submitters: Likely benign (6). Last evaluated 2026-01-28.

Conditions:
Usher syndrome type 2A. Also called: USHER SYNDROME, TYPE IIA; RETINAL DISEASE IN USHER SYNDROME TYPE IIA, MODIFIER OF. Identifiers: Orphanet 231178, Orphanet 886, MedGen C1848634, MONDO:0010169, OMIM 276901.
Retinitis pigmentosa 39 (RP39). Identifiers: Orphanet 791, MedGen C3151138, MONDO:0013436, OMIM 613809.

Allele frequency attached by ClinVar (database versions not stated): 1000 Genomes Project 0.00060; gnomAD 0.00067; ESP Exome Variant Server 0.00069; TOPMed 0.00079; 1000 Genomes Project 30x 0.00094.
gnomAD v4.1: 209 of 1,614,120 alleles (0.013%); highest among the groups gnomAD compares: African/African-American, 0.21%; no homozygotes.

Submissions (6):

Labcorp Genetics (formerly Invitae), Labcorp
Classification: Likely benign. Last evaluated: 2026-01-28. Review status: criteria provided, single submitter. Criteria: Invitae Variant Classification Sherloc (09022015). Collection method: clinical testing. Allele origin: germline.

Wonkam Laboratory, Johns Hopkins University
Classification: Likely benign for Usher syndrome type 2A. Last evaluated: 2024-01-06. Review status: criteria provided, single submitter. Criteria: ACMG Guidelines, 2015. Collection method: research. Allele origin: germline. Inheritance: Autosomal recessive inheritance. Affected: yes. Observed: 2 variant alleles.
Comment: This variant USH2A c.14322C>T (NM_206933.1) is absent from controls (or at extremely low frequency if recessive) in Exome Sequencing Project, 1000 Genomes Project, or Exome Aggregation Consortium (PM2), Patient's phenotype or family history is highly specific for a disease with a single genetic etiology (PP4), Multiple lines of computational evidence suggest no impact on gene or gene product (conservation, evolutionary, splicing impact, etc.)( BP4), a synonymous (silent) variant for which splicing prediction algorithms predict no impact to the splice consensus sequence nor the creation of a new splice site AND the nucleotide is not highly conservedBP6 supporting (BP7)

Genome-Nilou Lab
Classification: Likely benign for Retinitis pigmentosa 39. Last evaluated: 2023-11-04. Review status: criteria provided, single submitter. Criteria: ACMG Guidelines, 2015. Collection method: clinical testing. Allele origin: germline. Affected: no.

Genome-Nilou Lab
Classification: Likely benign for Usher syndrome type 2A. Last evaluated: 2023-11-04. Review status: criteria provided, single submitter. Criteria: ACMG Guidelines, 2015. Collection method: clinical testing. Allele origin: germline. Affected: no.

Blueprint Genetics
Classification: Likely benign. Last evaluated: 2023-09-21. Review status: criteria provided, single submitter. Criteria: ACMG Guidelines, 2015. Collection method: clinical testing. Allele origin: germline.

Laboratory for Molecular Medicine, Mass General Brigham Personalized Medicine
Classification: Likely benign. Last evaluated: 2011-09-29. Review status: criteria provided, single submitter. Criteria: LMM Criteria. Collection method: clinical testing. Allele origin: germline. Observed: 1 variant allele.
Comment: This variant is not expected to have clinical significance because it does not a lter an amino acid residue, is not located near a splice junction and is listed in dbSNP with a frequency of 0.1% (5/4552) control chromosomes (rs147037435).